The following is an entry in ClinVar:

ClinVar aggregate classification (germline): Benign (1 of 4 stars; one submission).

Conditions:
Primary ciliary dyskinesia 3. Identifiers: Orphanet 244, MedGen C1837618, MONDO:0012085, OMIM 608644.

Allele frequency attached by ClinVar (database versions not stated): gnomAD 0.00673 and 0.00728; TOPMed 0.00731; 1000 Genomes Project 0.00739; 1000 Genomes Project 30x 0.00781.
gnomAD v4.1: 1,018 of 152,206 alleles (0.67%); highest among the groups gnomAD compares: African/African-American, 2.3%; 13 homozygotes.

Submission:

Illumina Laboratory Services, Illumina
Classification: Benign for Primary ciliary dyskinesia 3. Last evaluated: 2017-04-27. Review status: criteria provided, single submitter. Criteria: ICSL Variant Classification Criteria 13 December 2019. Collection method: clinical testing. Allele origin: germline.
Comment: This variant was observed as part of a predisposition screen in an ostensibly healthy population. A literature search was performed for the gene, cDNA change, and amino acid change (where applicable). No publications were found based on this search. Allele frequency data from public databases was too high to be consistent with this variant causing disease. Therefore, this variant is classified as benign.

NM_001369.3(DNAH5):c.*775G>A

Gene: DNAH5 (dynein axonemal heavy chain 5; minus strand). Cytogenetic location: 5p15.2.
Variant type: single nucleotide variant.
Coding change: c.*775G>A on transcript NM_001369.3 (MANE Select); 775 bases downstream of the stop codon, G replaced by A.
Molecular consequence: 3 prime UTR variant.
Genome position (GRCh38, 1-based): chr5:13,691,209, C>T on the plus strand (G>A on the coding strand, the complement: DNAH5 is on the minus strand). VCF-style: chr5-13691209-C-T. GRCh37 (hg19) VCF-style: chr5-13691318-C-T.
Identifiers: ClinVar variation 905326 (VCV000905326.4), dbSNP rs146040448, ClinGen allele CA113905185.
Genomic context (GRCh38, chr5:13,691,209, plus strand): 5'-AATGCAATTTTATATAGACTGTTTTCAGTCTTTTAAATTGTTTCCTTGATGTAGAGAAAA[C>T]AAAGATCCAAGGGTGTGAATATTTTTATGGCTCTTTCTGTATTTAATCATTTTACAAAAA-3'